The following is an entry in ClinVar:

NM_001672.3(ASIP):c.230C>A (p.Ala77Asp)

Genes: AHCY (adenosylhomocysteinase; minus strand), ASIP (agouti signaling protein; plus strand). Cytogenetic location: 20q11.22.
Variant type: single nucleotide variant.
Coding change: c.230C>A on transcript NM_001672.3 (MANE Select); coding-DNA position 230, C replaced by A.
Protein change: p.Ala77Asp; replaces alanine 77 with aspartic acid.
Molecular consequence: missense variant.
Genome position (GRCh38, 1-based): chr20:34,268,998, C>A. VCF-style: chr20-34268998-C-A. GRCh37 (hg19) VCF-style: chr20-32856804-C-A.
Other names: c.230C>A, p.Ala77Asp (NM_001385218.1); short protein forms A77D.
Identifiers: ClinVar variation 3952873 (VCV003952873.2).
Genomic context (GRCh38, chr20:34,268,998, plus strand): 5'-GACCGGAGGGGTGGGCGTGGCCGGCTCATAAAGCCCCGGCGTTTCCCACGCAGAAGGAGG[C>A]TTCGATGAAGAAAGTGGTGCGGCCCCGGACCCCCCTATCTGCGCCCTGCGTGGCCACCCG-3'
Protein context (NP_001663.2, residues 67-87): AEKKRSSKKE[Ala77Asp]SMKKVVRPRT

ClinVar aggregate classification (germline): Uncertain significance. Review status: criteria provided, multiple submitters, no conflicts (2 of 4 stars). 2 submissions from 2 submitters: Uncertain significance (2). Last evaluated 2025-08-07.

Conditions:
ASIP-related condition.

gnomAD v4.1: 21 of 1,605,656 alleles (0.0013%); highest among the groups gnomAD compares: African/African-American, 0.023%; no homozygotes.

Submissions (2):

PreventionGenetics, part of Exact Sciences
Classification: Uncertain significance for ASIP-related condition. Last evaluated: 2025-08-07. Review status: criteria provided, single submitter. Criteria: ACMG Guidelines, 2015. Collection method: clinical testing. Allele origin: germline.
Comment: The ASIP c.230C>A variant is predicted to result in the amino acid substitution p.Ala77Asp. To our knowledge, this variant has not been reported in the literature. This variant is reported in 0.027% of alleles in individuals of African descent in gnomAD. At this time, the clinical significance of this variant is uncertain due to the absence of conclusive functional and genetic evidence.

Ambry Genetics
Classification: Uncertain significance. Last evaluated: 2025-05-28. Review status: criteria provided, single submitter. Criteria: Ambry Variant Classification Scheme 2023. Collection method: clinical testing. Allele origin: germline.